The following is an entry in ClinVar:

NM_000719.7(CACNA1C):c.5480G>A (p.Gly1827Asp)

Genes: CACNA1C (calcium voltage-gated channel subunit alpha1 C; plus strand), CACNA1C-AS1 (CACNA1C antisense RNA 1; minus strand). Cytogenetic location: 12p13.33.
Variant type: single nucleotide variant.
Coding change: c.5480G>A on transcript NM_000719.7 (MANE Select); coding-DNA position 5480, G replaced by A.
Protein change: p.Gly1827Asp; replaces glycine 1827 with aspartic acid.
Molecular consequence: missense variant.
Genome position (GRCh38, 1-based): chr12:2,682,585, G>A. VCF-style: chr12-2682585-G-A. GRCh37 (hg19) VCF-style: chr12-2791751-G-A.
Other names: c.5624G>A, p.Gly1875Asp (NM_001129827.2); c.5603G>A, p.Gly1868Asp (NM_001129829.2); c.5585G>A, p.Gly1862Asp (NM_001129830.3, NM_001167624.3); c.5564G>A, p.Gly1855Asp (NM_001129831.2); c.5540G>A, p.Gly1847Asp (NM_001129832.2); c.5537G>A, p.Gly1846Asp (NM_001129833.2, NM_001129834.2, NM_001129835.2); c.5531G>A, p.Gly1844Asp (NM_001129836.2); c.5504G>A, p.Gly1835Asp (NM_001129837.2, NM_001129838.2); and 6 more; short protein forms G1824D, G1827D, G1833D, G1887D, G1910D, G1846D, G1868D, G1816D.
Identifiers: ClinVar variation 656928 (VCV000656928.10), dbSNP rs1374608352, ClinGen allele CA383380757.
Genomic context (GRCh38, chr12:2,682,585, plus strand): 5'-TTTTTCTTCATCTTGGATATTGTAGGTGCCACTCCCGGGAGAGCCAGGCAGCCATGGCGG[G>A]TCAGGAGGAGACGTCTCAGGATGAGACCTATGAAGTGAAGATGAACCATGACACGGAGGC-3'
Protein context (NP_000710.5, residues 1817-1837): HSRESQAAMA[Gly1827Asp]QEETSQDETY

ClinVar aggregate classification (germline): Uncertain significance. Review status: criteria provided, multiple submitters, no conflicts (2 of 4 stars). 2 submissions from 2 submitters: Uncertain significance (2). Last evaluated 2025-06-30.

Conditions:
Long QT syndrome (LQTS). Identifiers: MedGen C0023976, MeSH D008133, MONDO:0002442. Disease mechanism: loss of function. Inheritance: Various modes of inheritance.

Allele frequency attached by ClinVar (database versions not stated): gnomAD exomes below 0.00001.

Submissions (2):

GeneDx
Classification: Uncertain significance. Last evaluated: 2025-06-30. Review status: criteria provided, single submitter. Criteria: GeneDx Variant Classification Process June 2021. Collection method: clinical testing. Allele origin: germline. Affected: yes.
Comment: Not observed at significant frequency in large population cohorts (gnomAD); In silico analysis suggests that this missense variant does not alter protein structure/function; Has not been previously published as pathogenic or benign to our knowledge

Labcorp Genetics (formerly Invitae), Labcorp
Classification: Uncertain significance for Long QT syndrome. Last evaluated: 2023-11-02. Review status: criteria provided, single submitter. Criteria: Invitae Variant Classification Sherloc (09022015). Collection method: clinical testing. Allele origin: germline.
Comment: This sequence change replaces glycine, which is neutral and non-polar, with aspartic acid, which is acidic and polar, at codon 1827 of the CACNA1C protein (p.Gly1827Asp). This variant is present in population databases (no rsID available, gnomAD 0.0009%). This variant has not been reported in the literature in individuals affected with CACNA1C-related conditions. ClinVar contains an entry for this variant (Variation ID: 656928). Advanced modeling of protein sequence and biophysical properties (such as structural, functional, and spatial information, amino acid conservation, physicochemical variation, residue mobility, and thermodynamic stability) performed at Invitae indicates that this missense variant is not expected to disrupt CACNA1C protein function with a negative predictive value of 95%. In summary, the available evidence is currently insufficient to determine the role of this variant in disease. Therefore, it has been classified as a Variant of Uncertain Significance.